The following is an entry in ClinVar:

ClinVar aggregate classification (germline): Uncertain significance (1 of 4 stars; one submission).

gnomAD v4.1: 15 of 1,211,624 alleles (0.0012%); highest among the groups gnomAD compares: South Asian, 0.014%; no homozygotes.

Submission:

Labcorp Genetics (formerly Invitae), Labcorp
Classification: Uncertain significance. Last evaluated: 2025-07-06. Review status: criteria provided, single submitter. Criteria: Invitae Variant Classification Sherloc (09022015). Collection method: clinical testing. Allele origin: germline.
Comment: This sequence change replaces arginine, which is basic and polar, with cysteine, which is neutral and slightly polar, at codon 205 of the MID1 protein (p.Arg205Cys). This variant is present in population databases (no rsID available, gnomAD 0.008%). This variant has not been reported in the literature in individuals affected with MID1-related conditions. Invitae Evidence Modeling of protein sequence and biophysical properties (such as structural, functional, and spatial information, amino acid conservation, physicochemical variation, residue mobility, and thermodynamic stability) indicates that this missense variant is not expected to disrupt MID1 protein function with a negative predictive value of 80%. In summary, the available evidence is currently insufficient to determine the role of this variant in disease. Therefore, it has been classified as a Variant of Uncertain Significance.

NM_000381.4(MID1):c.613C>T (p.Arg205Cys)

Gene: MID1 (midline 1; minus strand). Cytogenetic location: Xp22.2.
Variant type: single nucleotide variant.
Coding change: c.613C>T on transcript NM_000381.4 (MANE Select); coding-DNA position 613, C replaced by T.
Protein change: p.Arg205Cys; replaces arginine 205 with cysteine.
Molecular consequence: missense variant. On other transcripts: intron variant (2).
Genome position (GRCh38, 1-based): chrX:10,566,935, G>A on the plus strand (C>T on the coding strand, the complement: MID1 is on the minus strand). VCF-style: chrX-10566935-G-A. GRCh37 (hg19) VCF-style: chrX-10534975-G-A.
Other names: c.613C>T, p.Arg205Cys (NM_001098624.2, NM_001193277.1, NM_001193278.1 and 3 more transcripts); c.546+67C>T (NM_033289.2, NM_001193280.1); short protein forms R205C.
Identifiers: ClinVar variation 4693376 (VCV004693376.1).